The following is an entry in ClinVar:

ClinVar aggregate classification (germline): Uncertain significance. Review status: criteria provided, multiple submitters, no conflicts (2 of 4 stars). 2 submissions from 2 submitters: Uncertain significance (2). Last evaluated 2025-11-10.

Conditions:
Hyperaldosteronism, familial, type IV (HALD4). Also called: FH IV; ALDOSTERONISM, PRIMARY, AND HYPERTENSION. Identifiers: Orphanet 642671, MedGen C4310756, MONDO:0014875, OMIM 617027.
Idiopathic generalized epilepsy. Also called: EIG; Generalised epilepsy. Identifiers: MedGen C0270850, MONDO:0005579, OMIM 600669.
Epilepsy, childhood absence, susceptibility to, 6. Identifiers: Orphanet 64280, MedGen C2749872, MONDO:0012763, OMIM 611942.

Submissions (2):

Labcorp Genetics (formerly Invitae), Labcorp
Classification: Uncertain significance for Idiopathic generalized epilepsy; Hyperaldosteronism, familial, type IV. Last evaluated: 2025-11-10. Review status: criteria provided, single submitter. Criteria: Invitae Variant Classification Sherloc (09022015). Collection method: clinical testing. Allele origin: germline.
Comment: This sequence change replaces glycine, which is neutral and non-polar, with aspartic acid, which is acidic and polar, at codon 691 of the CACNA1H protein (p.Gly691Asp). This variant is not present in population databases (gnomAD no frequency). This variant has not been reported in the literature in individuals affected with CACNA1H-related conditions. ClinVar contains an entry for this variant (Variation ID: 659972). Invitae Evidence Modeling of protein sequence and biophysical properties (such as structural, functional, and spatial information, amino acid conservation, physicochemical variation, residue mobility, and thermodynamic stability) indicates that this missense variant is not expected to disrupt CACNA1H protein function with a negative predictive value of 80%. In summary, the available evidence is currently insufficient to determine the role of this variant in disease. Therefore, it has been classified as a Variant of Uncertain Significance.

Fulgent Genetics
Classification: Uncertain significance for Epilepsy, childhood absence, susceptibility to, 6; Hyperaldosteronism, familial, type IV. Last evaluated: 2022-02-23. Review status: criteria provided, single submitter. Criteria: ACMG Guidelines, 2015. Collection method: clinical testing. Allele origin: unknown.

NM_021098.3(CACNA1H):c.2072G>A (p.Gly691Asp)

Gene: CACNA1H (calcium voltage-gated channel subunit alpha1 H; plus strand). Cytogenetic location: 16p13.3.
Variant type: single nucleotide variant.
Coding change: c.2072G>A on transcript NM_021098.3 (MANE Select); coding-DNA position 2072, G replaced by A.
Protein change: p.Gly691Asp; replaces glycine 691 with aspartic acid.
Molecular consequence: missense variant.
Genome position (GRCh38, 1-based): chr16:1,204,079, G>A. VCF-style: chr16-1204079-G-A. GRCh37 (hg19) VCF-style: chr16-1254079-G-A.
Other names: c.2072G>A, p.Gly691Asp (NM_001005407.2); short protein forms G691D.
Identifiers: ClinVar variation 659972 (VCV000659972.9), dbSNP rs1596418694, ClinGen allele CA394165509.
Genomic context (GRCh38, chr16:1,204,079, plus strand): 5'-AGGCCCCTGGCCATCTGTCGGGCCTCAGTGTGCCCTGCCCCCTGCCCAGCCCCCCAGCGG[G>A]CACACTGACCTGTGAGCTGAAGAGCTGCCCGTACTGCACCCGTGCCCTGGAGGACCCGGA-3'
Protein context (NP_066921.2, residues 681-701): VPCPLPSPPA[Gly691Asp]TLTCELKSCP